The following is an entry in ClinVar:

NM_004655.4(AXIN2):c.73C>T (p.Pro25Ser)

Gene: AXIN2 (axin 2; minus strand). Cytogenetic location: 17q24.1.
Variant type: single nucleotide variant.
Coding change: c.73C>T on transcript NM_004655.4 (MANE Select); coding-DNA position 73, C replaced by T.
Protein change: p.Pro25Ser; replaces proline 25 with serine.
Molecular consequence: missense variant.
Genome position (GRCh38, 1-based): chr17:65,558,548, G>A on the plus strand (C>T on the coding strand, the complement: AXIN2 is on the minus strand). VCF-style: chr17-65558548-G-A. GRCh37 (hg19) VCF-style: chr17-63554666-G-A.
Other names: c.73C>T, p.Pro25Ser (NM_001363813.1); short protein forms P25S.
Identifiers: ClinVar variation 2012054 (VCV002012054.4), dbSNP rs2144591533, ClinGen allele CA400682283.

ClinVar aggregate classification (germline): Uncertain significance (1 of 4 stars; one submission).

Conditions:
Oligodontia-cancer predisposition syndrome. Also called: TOOTH AGENESIS-COLORECTAL CANCER SYNDROME. Identifiers: Orphanet 300576, MedGen C1837750, MONDO:0012075, OMIM 608615. Disease mechanism: loss of function.

Submission:

Labcorp Genetics (formerly Invitae), Labcorp
Classification: Uncertain significance for Oligodontia-cancer predisposition syndrome. Last evaluated: 2025-08-04. Review status: criteria provided, single submitter. Criteria: Invitae Variant Classification Sherloc (09022015). Collection method: clinical testing. Allele origin: germline.
Comment: This sequence change replaces proline, which is neutral and non-polar, with serine, which is neutral and polar, at codon 25 of the AXIN2 protein (p.Pro25Ser). This variant is not present in population databases (gnomAD no frequency). This variant has not been reported in the literature in individuals affected with AXIN2-related conditions. ClinVar contains an entry for this variant (Variation ID: 2012054). Invitae Evidence Modeling of protein sequence and biophysical properties (such as structural, functional, and spatial information, amino acid conservation, physicochemical variation, residue mobility, and thermodynamic stability) indicates that this missense variant is expected to disrupt AXIN2 protein function with a positive predictive value of 80%. In summary, the available evidence is currently insufficient to determine the role of this variant in disease. Therefore, it has been classified as a Variant of Uncertain Significance.